The following is an entry in ClinVar:

ClinVar aggregate classification (germline): Uncertain significance (1 of 4 stars; one submission).

Conditions:
MHC class I deficiency. Identifiers: Orphanet 34592, MedGen C6024714, MONDO:0011476.

Submission:

Labcorp Genetics (formerly Invitae), Labcorp
Classification: Uncertain significance for MHC class I deficiency 1. Last evaluated: 2022-05-28. Review status: criteria provided, single submitter. Criteria: Invitae Variant Classification Sherloc (09022015). Collection method: clinical testing. Allele origin: germline.
Comment: In summary, the available evidence is currently insufficient to determine the role of this variant in disease. Therefore, it has been classified as a Variant of Uncertain Significance. Algorithms developed to predict the effect of missense changes on protein structure and function are either unavailable or do not agree on the potential impact of this missense change (SIFT: "Tolerated"; PolyPhen-2: "Not Available"; Align-GVGD: "Class C0"). This variant has not been reported in the literature in individuals affected with TAP2-related conditions. This variant is not present in population databases (gnomAD no frequency). This sequence change replaces serine, which is neutral and polar, with threonine, which is neutral and polar, at codon 694 of the TAP2 protein (p.Ser694Thr).

NM_001290043.2(TAP2):c.*19T>A

Gene: TAP2 (transporter 2, ATP binding cassette subfamily B member; minus strand). Cytogenetic location: 6p21.32.
Variant type: single nucleotide variant.
Coding change: c.*19T>A on transcript NM_001290043.2 (MANE Select); 19 bases downstream of the stop codon, T replaced by A.
Molecular consequence: 3 prime UTR variant. On other transcripts: missense variant (1), intron variant (1).
Genome position (GRCh38, 1-based): chr6:32,828,887, A>T on the plus strand (T>A on the coding strand, the complement: TAP2 is on the minus strand). VCF-style: chr6-32828887-A-T. GRCh37 (hg19) VCF-style: chr6-32796664-A-T.
Other names: c.2080T>A, p.Ser694Thr (NM_000544.3); c.1932+513T>A (NM_018833.3); short protein forms S694T.
Identifiers: ClinVar variation 2000007 (VCV002000007.4), dbSNP rs2483009702, ClinGen allele CA363578200.